The following is an entry in ClinVar:

NM_000421.5(KRT10):c.129T>C (p.Leu43=)

Genes: KRT10 (keratin 10; minus strand), KRT10-AS1 (KRT10 antisense RNA 1; plus strand). Cytogenetic location: 17q21.2.
Variant type: single nucleotide variant.
Coding change: c.129T>C on transcript NM_000421.5 (MANE Select); coding-DNA position 129, T replaced by C.
Protein change: p.Leu43=; no amino-acid change (leucine 43 retained).
Molecular consequence: synonymous variant.
Genome position (GRCh38, 1-based): chr17:40,822,457, A>G on the plus strand (T>C on the coding strand, the complement: KRT10 is on the minus strand). VCF-style: chr17-40822457-A-G. GRCh37 (hg19) VCF-style: chr17-38978709-A-G.
Other names: c.129T>C, p.Leu43= (NM_001379366.1); c.129T>C (NM_000421.3).
Identifiers: ClinVar variation 1615534 (VCV001615534.9), dbSNP rs149227921, ClinGen allele CA8548353.
Genomic context (GRCh38, chr17:40,822,457, plus strand): 5'-ACCAGAGCTCCCACGGCTAAAAGAGCCACCACTGAACCCCCCTGAGCTAAATCCTCCACC[A>G]AGGGAGCCTTTGCTGCTAGAAATTCTTAGGGATGACACTCCTCCTCCTCCTCCACATCCT-3'
Protein context (NP_000412.4, residues 33-53): SLRISSSKGS[Leu43=]GGGFSSGGFS

ClinVar aggregate classification (germline): Likely benign. Review status: criteria provided, single submitter (1 of 4 stars). 2 submissions from 2 submitters: Likely benign (1). 1 of the submissions does not count toward it. Last evaluated 2025-09-03.

Conditions:
KRT10-related disorder. Also called: KRT10-related condition.

Allele frequency attached by ClinVar (database versions not stated): gnomAD 0.00005 and 0.00007; gnomAD exomes 0.00005 and 0.00007; ExAC 0.00007; TOPMed 0.00007; ESP Exome Variant Server 0.00015.
gnomAD v4.1: 91 of 1,613,026 alleles (0.0056%); highest among the groups gnomAD compares: Admixed American, 0.0067%; no homozygotes.

Submissions (2):

Labcorp Genetics (formerly Invitae), Labcorp
Classification: Likely benign. Last evaluated: 2025-09-03. Review status: criteria provided, single submitter. Criteria: Invitae Variant Classification Sherloc (09022015). Collection method: clinical testing. Allele origin: germline.

PreventionGenetics, part of Exact Sciences
Classification: Likely benign for KRT10-related condition. Last evaluated: 2024-05-03. Review status: no assertion criteria provided. Collection method: clinical testing. Allele origin: germline. Not counted in ClinVar's aggregate classification.
Comment: This variant is classified as likely benign based on ACMG/AMP sequence variant interpretation guidelines (Richards et al. 2015 PMID: 25741868, with internal and published modifications).